The following is an entry in ClinVar:

NM_172240.3(POC1B):c.670T>G (p.Tyr224Asp)

Genes: POC1B (POC1 centriolar protein B; minus strand), POC1B-DUSP6 (POC1B-DUSP6 readthrough; minus strand). Cytogenetic location: 12q21.33.
Variant type: single nucleotide variant.
Coding change: c.670T>G on transcript NM_172240.3 (MANE Select); coding-DNA position 670, T replaced by G.
Protein change: p.Tyr224Asp; replaces tyrosine 224 with aspartic acid.
Molecular consequence: missense variant. On other transcripts: non-coding transcript variant (2).
Genome position (GRCh38, 1-based): chr12:89,471,620, A>C on the plus strand (T>G on the coding strand, the complement: POC1B is on the minus strand). VCF-style: chr12-89471620-A-C. GRCh37 (hg19) VCF-style: chr12-89865397-A-C.
Other names: c.544T>G, p.Tyr182Asp (NM_001199777.2); short protein forms Y182D, Y224D.
Identifiers: ClinVar variation 2077186 (VCV002077186.4), dbSNP rs2540444475, ClinGen allele CA385996997.
Genomic context (GRCh38, chr12:89,471,620, plus strand): 5'-CCTTCCAAAAGGAGTCCATTCGGTAACTGAATTTTTTGTTAGGAAAATTGTTACCTTGGT[A>C]ATGCTGTAGTAATTTGTTCACTCTTACATCCCAGACTTTCACAGTTTGATCAGAACCTGC-3'
Protein context (NP_758440.1, residues 214-234): DVRVNKLLQH[Tyr224Asp]QVHSGGVNCI

ClinVar aggregate classification (germline): Uncertain significance (1 of 4 stars; one submission).

Submission:

Labcorp Genetics (formerly Invitae), Labcorp
Classification: Uncertain significance. Last evaluated: 2022-01-07. Review status: criteria provided, single submitter. Criteria: Invitae Variant Classification Sherloc (09022015). Collection method: clinical testing. Allele origin: germline.
Comment: In summary, the available evidence is currently insufficient to determine the role of this variant in disease. Therefore, it has been classified as a Variant of Uncertain Significance. Algorithms developed to predict the effect of missense changes on protein structure and function are either unavailable or do not agree on the potential impact of this missense change (SIFT: "Tolerated"; PolyPhen-2: "Probably Damaging"; Align-GVGD: "Class C0"). This variant has not been reported in the literature in individuals affected with POC1B-related conditions. This variant is not present in population databases (gnomAD no frequency). This sequence change replaces tyrosine, which is neutral and polar, with aspartic acid, which is acidic and polar, at codon 224 of the POC1B protein (p.Tyr224Asp).